The following is an entry in ClinVar:

ClinVar aggregate classification (germline): Uncertain significance (1 of 4 stars; one submission).

Conditions:
Cardiovascular phenotype. Identifiers: MedGen CN230736.

Allele frequency attached by ClinVar (database versions not stated): gnomAD 0.00001; gnomAD exomes 0.00001; TOPMed 0.00001; ExAC 0.00002.

Submission:

Ambry Genetics
Classification: Uncertain significance for Cardiovascular phenotype. Last evaluated: 2021-08-31. Review status: criteria provided, single submitter. Criteria: Ambry Variant Classification Scheme 2023. Collection method: clinical testing. Allele origin: germline.
Comment: The p.M173I variant (also known as c.519G>A), located in coding exon 4 of the ABCG8 gene, results from a G to A substitution at nucleotide position 519. The methionine at codon 173 is replaced by isoleucine, an amino acid with highly similar properties. This amino acid position is conserved. In addition, this alteration is predicted to be tolerated by in silico analysis. Since supporting evidence is limited at this time, the clinical significance of this alteration remains unclear.

NM_022437.3(ABCG8):c.519G>A (p.Met173Ile)

Gene: ABCG8 (ATP binding cassette subfamily G member 8; plus strand). Cytogenetic location: 2p21.
Variant type: single nucleotide variant.
Coding change: c.519G>A on transcript NM_022437.3 (MANE Select); coding-DNA position 519, G replaced by A.
Protein change: p.Met173Ile; replaces methionine 173 with isoleucine.
Molecular consequence: missense variant.
Genome position (GRCh38, 1-based): chr2:43,851,780, G>A. VCF-style: chr2-43851780-G-A. GRCh37 (hg19) VCF-style: chr2-44078919-G-A.
Other names: c.519G>A, p.Met173Ile (NM_001357321.2); short protein forms M173I.
Identifiers: ClinVar variation 1745988 (VCV001745988.2), dbSNP rs771273808, ClinGen allele CA1637039.